The following is an entry in ClinVar:

ClinVar aggregate classification (germline): Uncertain significance (1 of 4 stars; one submission).

Conditions:
DICER1-related tumor predisposition. Also called: DICER1 syndrome; DICER1-related pleuropulmonary blastoma cancer predisposition syndrome. Identifiers: Orphanet 284343, MedGen C3839822, MONDO:0100216.

Submission:

Labcorp Genetics (formerly Invitae), Labcorp
Classification: Uncertain significance for DICER1-related tumor predisposition. Last evaluated: 2022-04-28. Review status: criteria provided, single submitter. Criteria: Invitae Variant Classification Sherloc (09022015). Collection method: clinical testing. Allele origin: germline.
Comment: In summary, the available evidence is currently insufficient to determine the role of this variant in disease. Therefore, it has been classified as a Variant of Uncertain Significance. Algorithms developed to predict the effect of missense changes on protein structure and function are either unavailable or do not agree on the potential impact of this missense change (SIFT: "Deleterious"; PolyPhen-2: "Probably Damaging"; Align-GVGD: "Class C0"). This variant has not been reported in the literature in individuals affected with DICER1-related conditions. This variant is not present in population databases (gnomAD no frequency). This sequence change replaces leucine, which is neutral and non-polar, with methionine, which is neutral and non-polar, at codon 712 of the DICER1 protein (p.Leu712Met).

NM_177438.3(DICER1):c.2134T>A (p.Leu712Met)

Gene: DICER1 (dicer 1, ribonuclease III; minus strand). Cytogenetic location: 14q32.13.
Variant type: single nucleotide variant.
Coding change: c.2134T>A on transcript NM_177438.3 (MANE Select); coding-DNA position 2134, T replaced by A.
Protein change: p.Leu712Met; replaces leucine 712 with methionine.
Molecular consequence: missense variant. On other transcripts: non-coding transcript variant (6).
Genome position (GRCh38, 1-based): chr14:95,111,439, A>T on the plus strand (T>A on the coding strand, the complement: DICER1 is on the minus strand). VCF-style: chr14-95111439-A-T. GRCh37 (hg19) VCF-style: chr14-95577776-A-T.
Other names: c.2134T>A, p.Leu712Met (NM_001195573.1, NM_001271282.3, NM_001291628.2 and 13 more transcripts); c.1852T>A, p.Leu618Met (NM_001395686.1); c.1729T>A, p.Leu577Met (NM_001395687.1, NM_001395688.1, NM_001395689.1 and 3 more transcripts); c.1567T>A, p.Leu523Met (NM_001395691.1); c.451T>A, p.Leu151Met (NM_001395697.1); short protein forms L618M, L577M, L712M, L151M, L523M.
Identifiers: ClinVar variation 2131590 (VCV002131590.4), dbSNP rs2542914062, ClinGen allele CA390882877.